The following is an entry in ClinVar:

NM_004446.3(EPRS1):c.1660G>A (p.Gly554Ser)

Gene: EPRS1 (glutamyl-prolyl-tRNA synthetase 1; minus strand). Cytogenetic location: 1q41.
Variant type: single nucleotide variant.
Coding change: c.1660G>A on transcript NM_004446.3 (MANE Select); coding-DNA position 1660, G replaced by A.
Protein change: p.Gly554Ser; replaces glycine 554 with serine.
Molecular consequence: missense variant.
Genome position (GRCh38, 1-based): chr1:220,007,284, C>T on the plus strand (G>A on the coding strand, the complement: EPRS1 is on the minus strand). VCF-style: chr1-220007284-C-T. GRCh37 (hg19) VCF-style: chr1-220180626-C-T.
Other names: short protein forms G554S.
Identifiers: ClinVar variation 3604536 (VCV003604536.2).
Genomic context (GRCh38, chr1:220,007,284, plus strand): 5'-GGTTGCCCCAATTTATAAATGTAACCATCTCACCCTCCGAAAAAGTCTCTGCATCAGCAC[C>T]TTCAATGAAAACTTTGGGACTATACCACACAGGCTTCAAGCCAACCTCAGGATTCTGATT-3'
Protein context (NP_004437.2, residues 544-564): VWYSPKVFIE[Gly554Ser]ADAETFSEGE

ClinVar aggregate classification (germline): Uncertain significance (1 of 4 stars; one submission).

gnomAD v4.1: 4 of 1,613,900 alleles (0.00025%); highest among the groups gnomAD compares: Non-Finnish European, 0.00034%; no homozygotes.

Submission:

Labcorp Genetics (formerly Invitae), Labcorp
Classification: Uncertain significance. Last evaluated: 2024-10-15. Review status: criteria provided, single submitter. Criteria: Invitae Variant Classification Sherloc (09022015). Collection method: clinical testing. Allele origin: germline.
Comment: This sequence change replaces glycine, which is neutral and non-polar, with serine, which is neutral and polar, at codon 554 of the EPRS protein (p.Gly554Ser). This variant is present in population databases (no rsID available, gnomAD 0.0009%). This variant has not been reported in the literature in individuals affected with EPRS-related conditions. An algorithm developed to predict the effect of missense changes on protein structure and function (PolyPhen-2) suggests that this variant is likely to be disruptive. In summary, the available evidence is currently insufficient to determine the role of this variant in disease. Therefore, it has been classified as a Variant of Uncertain Significance.